The following is an entry in ClinVar:

NM_001017420.3(ESCO2):c.1292_1293del (p.Glu431fs)

Gene: ESCO2 (establishment of sister chromatid cohesion N-acetyltransferase 2; plus strand). Cytogenetic location: 8p21.1.
Variant type: Microsatellite.
Coding change: c.1292_1293del on transcript NM_001017420.3 (MANE Select); coding-DNA positions 1292 to 1293, 2 bases deleted (AG; older notation c.1292_1293delAG).
Protein change: p.Glu431fs; shifts the reading frame from glutamic acid 431.
Molecular consequence: frameshift variant.
Genome position (GRCh38, 1-based): chr8:27,791,991-27,791,992, AG deleted; deleting any 2 consecutive bases within chr8:27,791,989-27,791,992 gives the same sequence; the c. name uses the placement nearest the transcript's 3' end. VCF-style (leftmost placement, unchanged base first): chr8-27791988-CAG-C. GRCh37 (hg19) VCF-style: chr8-27649505-CAG-C.
Other names: short protein forms E431fs.
Identifiers: ClinVar variation 3643131 (VCV003643131.2).

ClinVar aggregate classification (germline): Pathogenic (1 of 4 stars; one submission).

Submission:

Labcorp Genetics (formerly Invitae), Labcorp
Classification: Pathogenic. Last evaluated: 2024-02-24. Review status: criteria provided, single submitter. Criteria: Invitae Variant Classification Sherloc (09022015). Collection method: clinical testing. Allele origin: germline.
Comment: This sequence change creates a premature translational stop signal (p.Glu431Valfs*13) in the ESCO2 gene. It is expected to result in an absent or disrupted protein product. Loss-of-function variants in ESCO2 are known to be pathogenic (PMID: 15821733, 16380922). This variant is not present in population databases (gnomAD no frequency). This variant has not been reported in the literature in individuals affected with ESCO2-related conditions. For these reasons, this variant has been classified as Pathogenic.

Literature cited by the submitters: PubMed 15821733; PubMed 16380922.